The following is an entry in ClinVar:

NM_002382.5(MAX):c.330A>G (p.Gln110=)

Gene: MAX (MYC associated transcriptional regulator X; minus strand). Cytogenetic location: 14q23.3.
Variant type: single nucleotide variant.
Coding change: c.330A>G on transcript NM_002382.5 (MANE Select); coding-DNA position 330, A replaced by G.
Protein change: p.Gln110=; no amino-acid change (glutamine 110 retained).
Molecular consequence: synonymous variant. On other transcripts: 3 prime UTR variant (12), non-coding transcript variant (7), intron variant (2).
Genome position (GRCh38, 1-based): chr14:65,076,629, T>C on the plus strand (A>G on the coding strand, the complement: MAX is on the minus strand). VCF-style: chr14-65076629-T-C. GRCh37 (hg19) VCF-style: chr14-65543347-T-C.
Other names: c.141A>G, p.Gln47= (NM_001320415.2, NM_001407105.1, NM_001407106.1 and 1 more transcripts); c.330A>G, p.Gln110= (NM_001407094.1); c.303A>G, p.Gln101= (NM_001407095.1, NM_145112.3); c.*103A>G (NM_001407096.1, NM_001407099.1, NM_001407102.1 and 2 more transcripts); c.*119A>G (NM_001407097.1, NM_001407100.1, NM_001407101.1 and 4 more transcripts); c.222A>G, p.Gln74= (NM_001407098.1); c.129A>G, p.Gln43= (NM_001407111.1, NM_001407112.1); c.144+17079A>G (NM_001271069.2); and 1 more.
Identifiers: ClinVar variation 759785 (VCV000759785.14), dbSNP rs772661746, ClinGen allele CA7232808.
Genomic context (GRCh38, chr14:65,076,629, plus strand): 5'-GGTGCTGCCCTTGGCGTTGGTGTAGAGGCTGTTGTCTGAGGAGGGGTAGTTGGTCTGCAG[T>C]TGGGCACTTGACCTCGCCTTCTCCAGTGCACGGACTAAAAGGCAACCAAGGGAGTGTGTT-3'
Protein context (NP_002373.3, residues 100-120): RALEKARSSA[Gln110=]LQTNYPSSDN

ClinVar aggregate classification (germline): Benign/Likely benign. Review status: criteria provided, multiple submitters, no conflicts (2 of 4 stars). 3 submissions from 3 submitters: Benign (1); Likely benign (2). Last evaluated 2026-06-08.

Conditions:
Hereditary cancer-predisposing syndrome. Also called: Tumor predisposition; Hereditary Cancer Syndrome; Hereditary neoplastic syndrome; Neoplastic Syndromes, Hereditary. Identifiers: Orphanet 140162, MedGen C0027672, MeSH D009386, MONDO:0015356.
Pheochromocytoma. Also called: MAX-Related Hereditary Paraganglioma-Pheochromocytoma Syndrome. Identifiers: Orphanet 29072, MedGen C0031511, MONDO:0008233, OMIM 171300, HP:0002666.
Hereditary pheochromocytoma and paraganglioma. Also called: Hereditary paragangliomas and pheochromocytomas; Hereditary pheochromocytoma-paraganglioma; Hereditary Paraganglioma-Pheochromocytoma Syndromes. Identifiers: Orphanet 29072, MedGen C4274332, MONDO:0017366.

Allele frequency attached by ClinVar (database versions not stated): gnomAD exomes below 0.00001; ExAC 0.00001.
gnomAD v4.1: 4 of 1,614,134 alleles (0.00025%); highest among the groups gnomAD compares: Non-Finnish European, 0.00034%; no homozygotes.

Submissions (3):

Myriad Genetics, Inc.
Classification: Benign for Pheochromocytoma. Last evaluated: 2026-06-08. Review status: criteria provided, single submitter. Criteria: Myriad Autosomal Dominant, Autosomal Recessive and X-Linked Classification Criteria (2023). Collection method: clinical testing. Allele origin: unknown.
Comment: This variant is considered benign. This variant is a silent/synonymous amino acid change and it is not expected to impact splicing.

Labcorp Genetics (formerly Invitae), Labcorp
Classification: Likely benign for Hereditary pheochromocytoma and paraganglioma. Last evaluated: 2025-11-17. Review status: criteria provided, single submitter. Criteria: Invitae Variant Classification Sherloc (09022015). Collection method: clinical testing. Allele origin: germline.

Ambry Genetics
Classification: Likely benign for Hereditary cancer-predisposing syndrome. Last evaluated: 2018-01-25. Review status: criteria provided, single submitter. Criteria: Ambry Variant Classification Scheme 2023. Collection method: clinical testing. Allele origin: germline.